The following is an entry in ClinVar:

NM_001142800.2(EYS):c.9313A>T (p.Lys3105Ter)

Genes: EYS (EGF-like photoreceptor maintenance factor; minus strand), PHF3 (PHD finger protein 3; plus strand). Cytogenetic location: 6q12.
Variant type: single nucleotide variant.
Coding change: c.9313A>T on transcript NM_001142800.2 (MANE Select); coding-DNA position 9313, A replaced by T.
Protein change: p.Lys3105Ter; replaces lysine 3105 with a stop codon.
Molecular consequence: nonsense. On other transcripts: 3 prime UTR variant (5).
Genome position (GRCh38, 1-based): chr6:63,720,718, T>A on the plus strand (A>T on the coding strand, the complement: EYS is on the minus strand). VCF-style: chr6-63720718-T-A. GRCh37 (hg19) VCF-style: chr6-64430614-T-A.
Other names: c.*7010T>A (NM_001290259.2, NM_001370348.2, NM_001370349.2 and 2 more transcripts); c.9376A>T, p.Lys3126Ter (NM_001292009.2); short protein forms K3126*, K3105*.
Identifiers: ClinVar variation 2765165 (VCV002765165.3), dbSNP rs1768343542, ClinGen allele CA364382765.

ClinVar aggregate classification (germline): Pathogenic (1 of 4 stars; one submission).

Submission:

Labcorp Genetics (formerly Invitae), Labcorp
Classification: Pathogenic. Last evaluated: 2023-06-04. Review status: criteria provided, single submitter. Criteria: Invitae Variant Classification Sherloc (09022015). Collection method: clinical testing. Allele origin: germline.
Comment: For these reasons, this variant has been classified as Pathogenic. This variant disrupts a region of the EYS protein in which other variant(s) (p.Tyr3135*) have been determined to be pathogenic (PMID: 18976725, 29159838, 30337596, 31074760). This suggests that this is a clinically significant region of the protein, and that variants that disrupt it are likely to be disease-causing. This variant has not been reported in the literature in individuals affected with EYS-related conditions. This variant is not present in population databases (gnomAD no frequency). This sequence change creates a premature translational stop signal (p.Lys3105*) in the EYS gene. While this is not anticipated to result in nonsense mediated decay, it is expected to disrupt the last 40 amino acid(s) of the EYS protein.

Literature cited by the submitters: PubMed 18976725; PubMed 29159838; PubMed 30337596; PubMed 31074760.